The following is an entry in ClinVar:

ClinVar aggregate classification (germline): Likely pathogenic (1 of 4 stars; one submission).

gnomAD v4.1: 3 of 1,613,800 alleles (0.00019%); highest among the groups gnomAD compares: Non-Finnish European, 0.00025%; no homozygotes.

Submissions (2):

Precision Genomics Research Lab, Centre for Applied Molecular Biology, University of the Punjab, Lahore
Classification: Likely pathogenic. Last evaluated: 2026-10-30. Review status: criteria provided, single submitter. Criteria: ACMG Guidelines, 2015. Collection method: research. Allele origin: germline. Inheritance: Autosomal recessive inheritance. Affected: yes. Observed: 1 variant allele, 1 homozygote.
Comment: The variant creates a premature stop codon in exon 8 of 17 and is predicted to cause nonsense-mediated decay. Loss of function is the presumed disease mechanism, supported by a homozygous nonsense variant, p.(Gln370Ter), reported in an individual with an overlapping phenotype (VCV004857728.1); as gene–disease evidence for NKTR remains limited, PVS1 was applied at strong strength. The variant is rare in gnomAD v4.1 (MAF: 0.000001859, all heterozygous; absent from South Asian samples) (PM2_Supporting), and its homozygous occurrence in this affected individual was counted as PM3_Supporting. Based on ACMG/AMP guidelines and ClinGen SVI recommendations (PVS1_Strong, PM2_Supporting, PM3_Supporting), this variant is classified as likely pathogenic for an autosomal recessive neurodevelopmental disorder.

Dr. Peter K. Rogan Lab, Western University
No classification provided (evidence only). Condition: Uterine corpus endometrial carcinoma. Review status: no classification provided. Collection method: in vitro. Allele origin: not applicable. Functional consequence: retained intron. Not counted in ClinVar's aggregate classification.

NM_005385.4(NKTR):c.505C>T (p.Arg169Ter)

Genes: NKTR (natural killer cell triggering receptor; plus strand), ZBTB47-AS1 (ZBTB47 and NKTR antisense RNA 1; minus strand). Cytogenetic location: 3p22.1.
Variant type: single nucleotide variant.
Coding change: c.505C>T on transcript NM_005385.4 (MANE Select); coding-DNA position 505, C replaced by T.
Protein change: p.Arg169Ter; replaces arginine 169 with a stop codon.
Molecular consequence: nonsense. On other transcripts: 5 prime UTR variant (2).
Genome position (GRCh38, 1-based): chr3:42,631,271, C>T. VCF-style: chr3-42631271-C-T. GRCh37 (hg19) VCF-style: chr3-42672763-C-T.
Other names: NC_000003.11:g.42672763C>T; c.505C>T, p.Arg169Ter (NM_001349124.2); c.-255C>T (NM_001349125.2); c.-596C>T (NM_001349126.2); short protein forms R169*.
Identifiers: ClinVar variation 4296265 (VCV004296265.2).